The following is an entry in ClinVar:

NM_033026.6(PCLO):c.6368C>T (p.Ala2123Val)

Gene: PCLO (piccolo presynaptic cytomatrix protein; minus strand). Cytogenetic location: 7q21.11.
Variant type: single nucleotide variant.
Coding change: c.6368C>T on transcript NM_033026.6 (MANE Select); coding-DNA position 6368, C replaced by T.
Protein change: p.Ala2123Val; replaces alanine 2123 with valine.
Molecular consequence: missense variant.
Genome position (GRCh38, 1-based): chr7:82,954,585, G>A on the plus strand (C>T on the coding strand, the complement: PCLO is on the minus strand). VCF-style: chr7-82954585-G-A. GRCh37 (hg19) VCF-style: chr7-82583901-G-A.
Other names: c.6368C>T, p.Ala2123Val (NM_014510.3); c.6368C>T (NM_033026.5); short protein forms A2123V.
Identifiers: ClinVar variation 1353271 (VCV001353271.5), dbSNP rs200677689, ClinGen allele CA161147591.

ClinVar aggregate classification (germline): Uncertain significance. Review status: criteria provided, multiple submitters, no conflicts (2 of 4 stars). 2 submissions from 2 submitters: Uncertain significance (2). Last evaluated 2024-08-08.

Conditions:
Inborn genetic diseases. Identifiers: MedGen C0950123, MeSH D030342.

Allele frequency attached by ClinVar (database versions not stated): gnomAD exomes 0.00001; gnomAD 0.00022; TOPMed 0.00026; 1000 Genomes Project 0.00040; 1000 Genomes Project 30x 0.00047.
gnomAD v4.1: 51 of 1,613,920 alleles (0.0032%); highest among the groups gnomAD compares: African/African-American, 0.057%; no homozygotes.

Submissions (2):

Labcorp Genetics (formerly Invitae), Labcorp
Classification: Uncertain significance. Last evaluated: 2024-08-08. Review status: criteria provided, single submitter. Criteria: Invitae Variant Classification Sherloc (09022015). Collection method: clinical testing. Allele origin: germline.
Comment: This sequence change replaces alanine, which is neutral and non-polar, with valine, which is neutral and non-polar, at codon 2123 of the PCLO protein (p.Ala2123Val). This variant is present in population databases (rs200677689, gnomAD 0.05%). This variant has not been reported in the literature in individuals affected with PCLO-related conditions. ClinVar contains an entry for this variant (Variation ID: 1353271). Experimental studies and prediction algorithms are not available or were not evaluated, and the functional significance of this variant is currently unknown. In summary, the available evidence is currently insufficient to determine the role of this variant in disease. Therefore, it has been classified as a Variant of Uncertain Significance.

Ambry Genetics
Classification: Uncertain significance for Inborn genetic diseases. Last evaluated: 2021-09-27. Review status: criteria provided, single submitter. Criteria: Ambry Variant Classification Scheme 2023. Collection method: clinical testing. Allele origin: germline.